The following is an entry in ClinVar:

NM_000553.6(WRN):c.3112A>T (p.Met1038Leu)

Gene: WRN (WRN RecQ like helicase; plus strand). Cytogenetic location: 8p12.
Variant type: single nucleotide variant.
Coding change: c.3112A>T on transcript NM_000553.6 (MANE Select); coding-DNA position 3112, A replaced by T.
Protein change: p.Met1038Leu; replaces methionine 1038 with leucine.
Molecular consequence: missense variant.
Genome position (GRCh38, 1-based): chr8:31,141,574, A>T. VCF-style: chr8-31141574-A-T. GRCh37 (hg19) VCF-style: chr8-30999090-A-T.
Other names: short protein forms M1038L.
Identifiers: ClinVar variation 1435734 (VCV001435734.8), dbSNP rs749207633, ClinGen allele CA370922463.

ClinVar aggregate classification (germline): Uncertain significance (1 of 4 stars; one submission).

Conditions:
Werner syndrome (WRN). Identifiers: Orphanet 902, MedGen C0043119, MONDO:0010196, OMIM 277700.

Allele frequency attached by ClinVar (database versions not stated): TOPMed below 0.00001; gnomAD 0.00001.

Submission:

Labcorp Genetics (formerly Invitae), Labcorp
Classification: Uncertain significance for Werner syndrome. Last evaluated: 2022-10-07. Review status: criteria provided, single submitter. Criteria: Invitae Variant Classification Sherloc (09022015). Collection method: clinical testing. Allele origin: germline.
Comment: In summary, the available evidence is currently insufficient to determine the role of this variant in disease. Therefore, it has been classified as a Variant of Uncertain Significance. Algorithms developed to predict the effect of missense changes on protein structure and function are either unavailable or do not agree on the potential impact of this missense change (SIFT: "Not Available"; PolyPhen-2: "Benign"; Align-GVGD: "Not Available"). ClinVar contains an entry for this variant (Variation ID: 1435734). This variant has not been reported in the literature in individuals affected with WRN-related conditions. The frequency data for this variant in the population databases is considered unreliable, as metrics indicate poor data quality at this position in the gnomAD database. This sequence change replaces methionine, which is neutral and non-polar, with leucine, which is neutral and non-polar, at codon 1038 of the WRN protein (p.Met1038Leu).